The following is an entry in ClinVar:

ClinVar aggregate classification (germline): not provided (0 of 4 stars; one submission).

Allele frequency attached by ClinVar (database versions not stated): gnomAD exomes 0.00002 and 0.00003; ExAC 0.00008; TOPMed 0.00023; gnomAD 0.00025 and 0.00026; 1000 Genomes Project 0.00060; 1000 Genomes Project 30x 0.00062.

Submission:

ITMI
No classification provided. Condition: AllHighlyPenetrant. Last evaluated: 2013-09-19. Review status: no classification provided. Collection method: reference population. Allele origin: germline.
Comment: Please see associated publication for description of ethnicities

Literature cited by the submitters: PubMed 24728327.

NM_003820.4(TNFRSF14):c.305-308C>T

Gene: TNFRSF14 (TNF receptor superfamily member 14; plus strand). Cytogenetic location: 1p36.32.
Variant type: single nucleotide variant.
Coding change: c.305-308C>T on transcript NM_003820.4 (MANE Select); 308 bases into the intron before coding-DNA position 305, C replaced by T.
Molecular consequence: intron variant.
Genome position (GRCh38, 1-based): chr1:2,559,515, C>T. VCF-style: chr1-2559515-C-T. GRCh37 (hg19) VCF-style: chr1-2490954-C-T.
Other names: c.305-308C>T (NM_001297605.2).
Identifiers: ClinVar variation 133407 (VCV000133407.1), dbSNP rs559512818, ClinGen allele CA156499.